The following is an entry in ClinVar:

ClinVar aggregate classification (germline): Uncertain significance (1 of 4 stars; one submission).

Conditions:
Hereditary cancer-predisposing syndrome. Also called: Tumor predisposition; Hereditary Cancer Syndrome; Hereditary neoplastic syndrome; Neoplastic Syndromes, Hereditary. Identifiers: Orphanet 140162, MedGen C0027672, MeSH D009386, MONDO:0015356.

Submission:

Ambry Genetics
Classification: Uncertain significance for Hereditary cancer-predisposing syndrome. Last evaluated: 2023-08-30. Review status: criteria provided, single submitter. Criteria: Ambry Variant Classification Scheme 2023. Collection method: clinical testing. Allele origin: germline.
Comment: The p.A61S variant (also known as c.181G>T), located in coding exon 1 of the MSH6 gene, results from a G to T substitution at nucleotide position 181. The alanine at codon 61 is replaced by serine, an amino acid with similar properties. This amino acid position is not well conserved in available vertebrate species. In addition, this alteration is predicted to be tolerated by in silico analysis. Since supporting evidence is limited at this time, the clinical significance of this alteration remains unclear.

NM_000179.3(MSH6):c.181G>T (p.Ala61Ser)

Gene: MSH6 (mutS homolog 6; plus strand). Cytogenetic location: 2p16.3.
Variant type: single nucleotide variant.
Coding change: c.181G>T on transcript NM_000179.3 (MANE Select); coding-DNA position 181, G replaced by T.
Protein change: p.Ala61Ser; replaces alanine 61 with serine.
Molecular consequence: missense variant. On other transcripts: 5 prime UTR variant (7), non-coding transcript variant (5), intron variant (5).
Genome position (GRCh38, 1-based): chr2:47,783,414, G>T. VCF-style: chr2-47783414-G-T. GRCh37 (hg19) VCF-style: chr2-48010553-G-T.
Other names: c.181G>T, p.Ala61Ser (NM_001281492.2, NM_001406795.1, NM_001406796.1 and 9 more transcripts); c.-556G>T (NM_001281493.2, NM_001406811.1); c.-148G>T (NM_001406799.1); c.126G>T, p.Trp42Cys (NM_001406804.1); c.-748G>T (NM_001406807.1); c.-403G>T (NM_001406812.1); c.-814G>T (NM_001406814.1); c.-359G>T (NM_001406816.1); and 3 more; short protein forms A61S, W42C.
Identifiers: ClinVar variation 2587353 (VCV002587353.2), dbSNP rs1057524911, ClinGen allele CA346735016.